The following is an entry in ClinVar:

NM_004698.4(PRPF3):c.1258C>T (p.His420Tyr)

Gene: PRPF3 (pre-mRNA processing factor 3; plus strand). Cytogenetic location: 1q21.2.
Variant type: single nucleotide variant.
Coding change: c.1258C>T on transcript NM_004698.4 (MANE Select); coding-DNA position 1258, C replaced by T.
Protein change: p.His420Tyr; replaces histidine 420 with tyrosine.
Molecular consequence: missense variant. On other transcripts: non-coding transcript variant (4).
Genome position (GRCh38, 1-based): chr1:150,340,453, C>T. VCF-style: chr1-150340453-C-T. GRCh37 (hg19) VCF-style: chr1-150312929-C-T.
Other names: c.853C>T, p.His285Tyr (NM_001350529.1); short protein forms H285Y, H420Y.
Identifiers: ClinVar variation 1047725 (VCV001047725.8), dbSNP rs1452433223, ClinGen allele CA342278542.

ClinVar aggregate classification (germline): Uncertain significance (1 of 4 stars; one submission).

Allele frequency attached by ClinVar (database versions not stated): gnomAD exomes below 0.00001; TOPMed below 0.00001; gnomAD 0.00001.
gnomAD v4.1: 4 of 1,605,772 alleles (0.00025%); highest among the groups gnomAD compares: African/African-American, 0.0013%; no homozygotes.

Submission:

Labcorp Genetics (formerly Invitae), Labcorp
Classification: Uncertain significance. Last evaluated: 2022-11-17. Review status: criteria provided, single submitter. Criteria: Invitae Variant Classification Sherloc (09022015). Collection method: clinical testing. Allele origin: germline.
Comment: This variant has not been reported in the literature in individuals affected with PRPF3-related conditions. ClinVar contains an entry for this variant (Variation ID: 1047725). Advanced modeling of protein sequence and biophysical properties (such as structural, functional, and spatial information, amino acid conservation, physicochemical variation, residue mobility, and thermodynamic stability) performed at Invitae indicates that this missense variant is expected to disrupt PRPF3 protein function. In summary, the available evidence is currently insufficient to determine the role of this variant in disease. Therefore, it has been classified as a Variant of Uncertain Significance. This variant is present in population databases (no rsID available, gnomAD 0.01%). This sequence change replaces histidine, which is basic and polar, with tyrosine, which is neutral and polar, at codon 420 of the PRPF3 protein (p.His420Tyr).